The following is an entry in ClinVar:

ClinVar aggregate classification (germline): Likely benign. Review status: criteria provided, multiple submitters, no conflicts (2 of 4 stars). 2 submissions from 2 submitters: Likely benign (2). Last evaluated 2025-06-09.

Allele frequency attached by ClinVar (database versions not stated): gnomAD exomes 0.00006; ExAC 0.00008.
gnomAD v4.1: 64 of 1,613,942 alleles (0.004%); highest among the groups gnomAD compares: East Asian, 0.02%; no homozygotes.

Submissions (2):

Labcorp Genetics (formerly Invitae), Labcorp
Classification: Likely benign. Last evaluated: 2025-06-09. Review status: criteria provided, single submitter. Criteria: Invitae Variant Classification Sherloc (09022015). Collection method: clinical testing. Allele origin: germline.

CeGaT Center for Human Genetics Tuebingen
Classification: Likely benign. Last evaluated: 2022-08-01. Review status: criteria provided, single submitter. Criteria: CeGaT Center For Human Genetics Tuebingen Variant Classification Criteria Version 2. Collection method: clinical testing. Allele origin: germline. Affected: yes. Observed: 1 variant allele.
Comment: PPP2R1A: BP4, BP7

NM_014225.6(PPP2R1A):c.351C>T (p.His117=)

Gene: PPP2R1A (protein phosphatase 2 scaffold subunit Aalpha; plus strand). Cytogenetic location: 19q13.41.
Variant type: single nucleotide variant.
Coding change: c.351C>T on transcript NM_014225.6 (MANE Select); coding-DNA position 351, C replaced by T.
Protein change: p.His117=; no amino-acid change (histidine 117 retained).
Molecular consequence: synonymous variant. On other transcripts: 5 prime UTR variant (1), non-coding transcript variant (1).
Genome position (GRCh38, 1-based): chr19:52,211,340, C>T. VCF-style: chr19-52211340-C-T. GRCh37 (hg19) VCF-style: chr19-52714593-C-T.
Other names: c.-187C>T (NM_001363656.2).
Identifiers: ClinVar variation 1663842 (VCV001663842.38), dbSNP rs752257198, ClinGen allele CA9621318.